The following is an entry in ClinVar:

ClinVar aggregate classification (germline): Uncertain significance (1 of 4 stars; one submission).

Conditions:
Type 2 diabetes mellitus. Also called: Type II diabetes mellitus. Identifiers: MedGen C0011860, MeSH D003924, MONDO:0005148, OMIM 125853, HP:0005978.
Hypoinsulinemic hypoglycemia and body hemihypertrophy. Also called: Hypoinsulinemic hypoglycemia and hemihypertrophy. Identifiers: Orphanet 293964, MedGen C3278384, MONDO:0009416, OMIM 240900.

Allele frequency attached by ClinVar (database versions not stated): gnomAD exomes 0.00001; gnomAD 0.00002 and 0.00003; TOPMed 0.00003.

Submission:

Labcorp Genetics (formerly Invitae), Labcorp
Classification: Uncertain significance for Hypoinsulinemic hypoglycemia and body hemihypertrophy; Type 2 diabetes mellitus. Last evaluated: 2021-12-03. Review status: criteria provided, single submitter. Criteria: Invitae Variant Classification Sherloc (09022015). Collection method: clinical testing. Allele origin: germline.
Comment: This variant has not been reported in the literature in individuals affected with AKT2-related conditions. In summary, the available evidence is currently insufficient to determine the role of this variant in disease. Therefore, it has been classified as a Variant of Uncertain Significance. Algorithms developed to predict the effect of missense changes on protein structure and function are either unavailable or do not agree on the potential impact of this missense change (SIFT: "Deleterious"; PolyPhen-2: "Benign"; Align-GVGD: "Class C25"). This variant is present in population databases (no rsID available, gnomAD 0.006%). This sequence change replaces valine, which is neutral and non-polar, with isoleucine, which is neutral and non-polar, at codon 57 of the AKT2 protein (p.Val57Ile).

NM_001626.6(AKT2):c.169G>A (p.Val57Ile)

Gene: AKT2 (AKT serine/threonine kinase 2; minus strand). Cytogenetic location: 19q13.2.
Variant type: single nucleotide variant.
Coding change: c.169G>A on transcript NM_001626.6 (MANE Select); coding-DNA position 169, G replaced by A.
Protein change: p.Val57Ile; replaces valine 57 with isoleucine.
Molecular consequence: missense variant. On other transcripts: 5 prime UTR variant (2).
Genome position (GRCh38, 1-based): chr19:40,256,932, C>T on the plus strand (G>A on the coding strand, the complement: AKT2 is on the minus strand). VCF-style: chr19-40256932-C-T. GRCh37 (hg19) VCF-style: chr19-40762839-C-T.
Other names: c.-18G>A (NM_001243027.3, NM_001243028.3); c.169G>A, p.Val57Ile (NM_001330511.1); short protein forms V57I.
Identifiers: ClinVar variation 1512481 (VCV001512481.6), dbSNP rs1407888862, ClinGen allele CA405872708.